The following is an entry in ClinVar:

NM_001291415.2(KDM6A):c.766G>A (p.Val256Ile)

Gene: KDM6A (lysine demethylase 6A; plus strand). Cytogenetic location: Xp11.3.
Variant type: single nucleotide variant.
Coding change: c.766G>A on transcript NM_001291415.2 (MANE Select); coding-DNA position 766, G replaced by A.
Protein change: p.Val256Ile; replaces valine 256 with isoleucine.
Molecular consequence: missense variant. On other transcripts: non-coding transcript variant (1).
Genome position (GRCh38, 1-based): chrX:45,053,846, G>A. VCF-style: chrX-45053846-G-A. GRCh37 (hg19) VCF-style: chrX-44913091-G-A.
Other names: c.766G>A, p.Val256Ile (NM_001291416.2, NM_001291417.2, NM_001291418.2 and 9 more transcripts); c.13G>A, p.Val5Ile (NM_001291421.2); short protein forms V256I, V5I.
Identifiers: ClinVar variation 2633295 (VCV002633295.1), dbSNP rs1602759581, ClinGen allele CA412779192.

ClinVar aggregate classification (germline): Uncertain significance (1 of 4 stars; one submission).

Conditions:
KDM6A-related disorder. Also called: KDM6A-related condition.

Submission:

PreventionGenetics, part of Exact Sciences
Classification: Uncertain significance for KDM6A-related condition. Last evaluated: 2023-05-09. Review status: criteria provided, single submitter. Criteria: ACMG Guidelines, 2015. Collection method: clinical testing. Allele origin: germline.
Comment: The KDM6A c.766G>A variant is predicted to result in the amino acid substitution p.Val256Ile. To our knowledge, this variant has not been reported in the literature or in a large population database, indicating this variant is rare. At this time, the clinical significance of this variant is uncertain due to the absence of conclusive functional and genetic evidence.